The following is an entry in ClinVar:

ClinVar aggregate classification (germline): Likely pathogenic (1 of 4 stars; one submission).

Conditions:
Wilson disease (WND). Also called: Wilson's disease. Identifiers: Orphanet 905, MedGen C0019202, MONDO:0010200, OMIM 277900. Disease mechanism: loss of function.

Submission:

Labcorp Genetics (formerly Invitae), Labcorp
Classification: Likely pathogenic for Wilson disease. Last evaluated: 2021-03-13. Review status: criteria provided, single submitter. Criteria: Invitae Variant Classification Sherloc (09022015). Collection method: clinical testing. Allele origin: germline.
Comment: Algorithms developed to predict the effect of sequence changes on RNA splicing suggest that this variant may disrupt the consensus splice site, but this prediction has not been confirmed by published transcriptional studies. This variant has not been reported in the literature in individuals with ATP7B-related conditions. This variant is not present in population databases (ExAC no frequency). This sequence change affects an acceptor splice site in intron 2 of the ATP7B gene. It is expected to disrupt RNA splicing. Variants that disrupt the donor or acceptor splice site typically lead to a loss of protein function (PMID: 16199547), and loss-of-function variants in ATP7B are known to be pathogenic (PMID: 10441329, 16283883). In summary, the currently available evidence indicates that the variant is pathogenic, but additional data are needed to prove that conclusively. Therefore, this variant has been classified as Likely Pathogenic.

Literature cited by the submitters: PubMed 16199547; PubMed 10441329; PubMed 16283883.

NM_000053.4(ATP7B):c.1286-1G>T

Gene: ATP7B (ATPase copper transporting beta; minus strand). Cytogenetic location: 13q14.3.
Variant type: single nucleotide variant.
Coding change: c.1286-1G>T on transcript NM_000053.4 (MANE Select); the canonical splice acceptor site of the intron before coding-DNA position 1286, G replaced by T.
Molecular consequence: splice acceptor variant. On other transcripts: intron variant (1).
Genome position (GRCh38, 1-based): chr13:51,970,750, C>A on the plus strand (G>T on the coding strand, the complement: ATP7B is on the minus strand). VCF-style: chr13-51970750-C-A. GRCh37 (hg19) VCF-style: chr13-52544886-C-A.
Other names: c.1286-1G>T (NM_001406541.1, NM_001406531.1, NM_001406527.1 and 28 more transcripts); c.1190-1G>T (NM_001406543.1, NM_001406518.1, NM_001406544.1 and 3 more transcripts); c.953-1G>T (NM_001243182.2); c.1285+3185G>T (NM_001406548.1); c.857-1G>T (NM_001406539.1).
Identifiers: ClinVar variation 1492378 (VCV001492378.8), dbSNP rs2139975355, ClinGen allele CA388036205.